The following is an entry in ClinVar:

NM_177438.3(DICER1):c.904A>C (p.Ile302Leu)

Gene: DICER1 (dicer 1, ribonuclease III; minus strand). Cytogenetic location: 14q32.13.
Variant type: single nucleotide variant.
Coding change: c.904A>C on transcript NM_177438.3 (MANE Select); coding-DNA position 904, A replaced by C.
Protein change: p.Ile302Leu; replaces isoleucine 302 with leucine.
Molecular consequence: missense variant.
Genome position (GRCh38, 1-based): chr14:95,124,668, T>G on the plus strand (A>C on the coding strand, the complement: DICER1 is on the minus strand). VCF-style: chr14-95124668-T-G. GRCh37 (hg19) VCF-style: chr14-95591005-T-G.
Other names: c.904A>C, p.Ile302Leu (NM_001195573.1, NM_001271282.3, NM_001291628.2 and 1 more transcripts); short protein forms I302L.
Identifiers: ClinVar variation 543558 (VCV000543558.10), dbSNP rs1555374864, ClinGen allele CA390887400.

ClinVar aggregate classification (germline): Uncertain significance. Review status: criteria provided, multiple submitters, no conflicts (2 of 4 stars). 2 submissions from 2 submitters: Uncertain significance (2). Last evaluated 2025-08-25.

Conditions:
DICER1-related tumor predisposition. Also called: DICER1-related pleuropulmonary blastoma cancer predisposition syndrome; DICER1 syndrome. Identifiers: Orphanet 284343, MedGen C3839822, MONDO:0100216.
Hereditary cancer-predisposing syndrome. Also called: Neoplastic Syndromes, Hereditary; Tumor predisposition; Hereditary Cancer Syndrome; Hereditary neoplastic syndrome. Identifiers: Orphanet 140162, MedGen C0027672, MeSH D009386, MONDO:0015356.

Allele frequency attached by ClinVar (database versions not stated): gnomAD exomes below 0.00001.
gnomAD v4.1: 3 of 1,610,146 alleles (0.00019%); highest among the groups gnomAD compares: Non-Finnish European, 0.00025%; no homozygotes.

Submissions (2):

Ambry Genetics
Classification: Uncertain significance for Hereditary cancer-predisposing syndrome. Last evaluated: 2025-08-25. Review status: criteria provided, single submitter. Criteria: Ambry Variant Classification Scheme 2023. Collection method: clinical testing. Allele origin: germline.
Comment: The p.I302L variant (also known as c.904A>C) is located in coding exon 7 of the DICER1 gene. The isoleucine at codon 302 is replaced by leucine, an amino acid with highly similar properties. This change occurs in the first base pair of coding exon 7. This amino acid position is conserved. In addition, this alteration is predicted to be tolerated by in silico analysis. Based on the available evidence, the clinical significance of this variant remains unclear.

Labcorp Genetics (formerly Invitae), Labcorp
Classification: Uncertain significance for DICER1-related tumor predisposition. Last evaluated: 2024-03-11. Review status: criteria provided, single submitter. Criteria: Invitae Variant Classification Sherloc (09022015). Collection method: clinical testing. Allele origin: germline.
Comment: This sequence change replaces isoleucine, which is neutral and non-polar, with leucine, which is neutral and non-polar, at codon 302 of the DICER1 protein (p.Ile302Leu). This variant is not present in population databases (gnomAD no frequency). This variant has not been reported in the literature in individuals affected with DICER1-related conditions. ClinVar contains an entry for this variant (Variation ID: 543558). An algorithm developed to predict the effect of missense changes on protein structure and function (PolyPhen-2) suggests that this variant is likely to be tolerated. In summary, the available evidence is currently insufficient to determine the role of this variant in disease. Therefore, it has been classified as a Variant of Uncertain Significance.